The following is an entry in ClinVar:

ClinVar aggregate classification (germline): Conflicting classifications of pathogenicity. Review status: criteria provided, conflicting classifications (1 of 4 stars). 6 submissions from 6 submitters: Uncertain significance (4); Likely benign (2). Last evaluated 2026-02-03.

Conditions:
Hereditary nonpolyposis colorectal neoplasms. Identifiers: MedGen C0009405, MeSH D003123.
Lynch syndrome. Identifiers: Orphanet 144, MedGen C4552100, MONDO:0005835. Disease mechanism: loss of function.
Endometrial carcinoma. Also called: Endometrial carcinoma, somatic. Identifiers: MedGen C0476089, MONDO:0002447, OMIM 608089, HP:0012114.
Hereditary cancer-predisposing syndrome. Also called: Hereditary Cancer Syndrome; Neoplastic Syndromes, Hereditary; Tumor predisposition; Hereditary neoplastic syndrome. Identifiers: Orphanet 140162, MedGen C0027672, MeSH D009386, MONDO:0015356.

Allele frequency attached by ClinVar (database versions not stated): gnomAD 0.00005; TOPMed 0.00005; gnomAD exomes 0.00008; ExAC 0.00011.

Submissions (6):

Labcorp Genetics (formerly Invitae), Labcorp
Classification: Likely benign for Hereditary nonpolyposis colorectal neoplasms. Last evaluated: 2026-02-03. Review status: criteria provided, single submitter. Criteria: Invitae Variant Classification Sherloc (09022015). Collection method: clinical testing. Allele origin: germline.

All of Us Research Program, National Institutes of Health
Classification: Uncertain significance for Lynch syndrome. Last evaluated: 2024-07-20. Review status: criteria provided, single submitter. Criteria: ACMG Guidelines, 2015. Collection method: clinical testing. Allele origin: germline. Inheritance: Autosomal dominant inheritance. Observed: 12 variant alleles, 12 heterozygotes.
Comment: This missense variant replaces lysine with asparagine at codon 854 of the MSH6 protein. Computational prediction is inconclusive regarding the impact of this variant on protein structure and function (internally defined REVEL score threshold 0.5 < inconclusive < 0.7, PMID: 27666373). To our knowledge, functional studies have not been reported for this variant. This variant has been reported in an individual affected with kidney cancer (PMID: 29684080). This variant has been identified in 22/280654 chromosomes in the general population by the Genome Aggregation Database (gnomAD). The available evidence is insufficient to determine the role of this variant in disease conclusively. Therefore, this variant is classified as a Variant of Uncertain Significance.

This study involves interpretation of variants in research participants for the purpose of population health screening. Participant phenotype was not available at the time of variant classification. Additional details can be found in publication PMID: 35346344, PMCID: PMC8962531

Baylor Genetics
Classification: Uncertain significance for Endometrial carcinoma. Last evaluated: 2024-02-27. Review status: criteria provided, single submitter. Criteria: ACMG Guidelines, 2015. Collection method: clinical testing. Allele origin: unknown.

Institute for Biomarker Research, Medical Diagnostic Laboratories, L.L.C.
Classification: Uncertain significance for Hereditary cancer-predisposing syndrome. Last evaluated: 2023-05-05. Review status: criteria provided, single submitter. Criteria: ACMG Guidelines, 2015. Collection method: clinical testing. Allele origin: germline.

Ambry Genetics
Classification: Uncertain significance for Hereditary cancer-predisposing syndrome. Last evaluated: 2021-04-21. Review status: criteria provided, single submitter. Criteria: Ambry Variant Classification Scheme 2023. Collection method: clinical testing. Allele origin: germline.
Comment: The p.K854N variant (also known as c.2562G>T), located in coding exon 4 of the MSH6 gene, results from a G to T substitution at nucleotide position 2562. The lysine at codon 854 is replaced by asparagine, an amino acid with similar properties. In a study of whole-exome sequencing in patients with features of Cowden syndrome (CS) or Bannayan-Riley-Ruvalcaba syndrome (BRRS) and negative PTEN testing, this alteration was identified in 0/87 patients with CS or BRRS and 1/3476 patients from The Cancer Genome Atlas (TCGA) (Yehia L et al. PLoS Genet, 2018 04;14:e1007352). This amino acid position is highly conserved in available vertebrate species. In addition, the in silico prediction for this alteration is inconclusive. Since supporting evidence is limited at this time, the clinical significance of this alteration remains unclear.

Sema4
Classification: Likely benign for Hereditary cancer-predisposing syndrome. Last evaluated: 2021-01-31. Review status: criteria provided, single submitter. Criteria: Sema4 Curation Guidelines. Collection method: curation. Allele origin: germline.

Literature cited by the submitters: PubMed 29684080 (cited by All of Us Research Program, National Institutes of Health and Ambry Genetics).

NM_000179.3(MSH6):c.2562G>T (p.Lys854Asn)

Gene: MSH6 (mutS homolog 6; plus strand). Cytogenetic location: 2p16.3.
Variant type: single nucleotide variant.
Coding change: c.2562G>T on transcript NM_000179.3 (MANE Select); coding-DNA position 2562, G replaced by T.
Protein change: p.Lys854Asn; replaces lysine 854 with asparagine.
Molecular consequence: missense variant.
Genome position (GRCh38, 1-based): chr2:47,800,545, G>T. VCF-style: chr2-47800545-G-T. GRCh37 (hg19) VCF-style: chr2-48027684-G-T.
Other names: c.2172G>T, p.Lys724Asn (NM_001281492.2); c.1656G>T, p.Lys552Asn (NM_001281493.2, NM_001281494.2); short protein forms K854N, K724N, K552N.
Identifiers: ClinVar variation 336443 (VCV000336443.23), dbSNP rs759048538, ClinGen allele CA069186.